The following is an entry in ClinVar:

ClinVar aggregate classification (germline): Uncertain significance (1 of 4 stars; one submission).

Conditions:
STAG2-related disorder. Also called: STAG2-Related Disorders.

Allele frequency attached by ClinVar (database versions not stated): gnomAD exomes below 0.00001.
gnomAD v4.1: 1 of 1,171,676 alleles (0.000085%); highest among the groups gnomAD compares: South Asian, 0.002%; no homozygotes.

Submission:

PreventionGenetics, part of Exact Sciences
Classification: Uncertain significance for STAG2-related condition. Last evaluated: 2023-09-14. Review status: criteria provided, single submitter. Criteria: ACMG Guidelines, 2015. Collection method: clinical testing. Allele origin: germline.
Comment: The STAG2 c.2086G>A variant is predicted to result in the amino acid substitution p.Ala696Thr. To our knowledge, this variant has not been reported in the literature or in a large population database, indicating this variant is rare. At this time, the clinical significance of this variant is uncertain due to the absence of conclusive functional and genetic evidence.

NM_001042750.2(STAG2):c.2086G>A (p.Ala696Thr)

Gene: STAG2 (STAG2 cohesin complex component; plus strand). Cytogenetic location: Xq25.
Variant type: single nucleotide variant.
Coding change: c.2086G>A on transcript NM_001042750.2 (MANE Select); coding-DNA position 2086, G replaced by A.
Protein change: p.Ala696Thr; replaces alanine 696 with threonine.
Molecular consequence: missense variant.
Genome position (GRCh38, 1-based): chrX:124,065,936, G>A. VCF-style: chrX-124065936-G-A. GRCh37 (hg19) VCF-style: chrX-123199786-G-A.
Other names: c.2086G>A, p.Ala696Thr (NM_001042749.2, NM_001042751.2, NM_001282418.2 and 13 more transcripts); short protein forms A696T.
Identifiers: ClinVar variation 2630722 (VCV002630722.1), dbSNP rs2521885387, ClinGen allele CA414273364.
Genomic context (GRCh38, chrX:124,065,936, plus strand): 5'-GGTGAAGAACCTGATGAAGATGATGCATATCAGGTATTGTCAACATTGAAGAGGATCACT[G>A]CTTTTCATAAGTAAGTTGAATTTTGAAGTTCCTGTTTTCTTAAATCTGTAGAAATAAACT-3'
Protein context (NP_001036215.1, residues 686-706): QVLSTLKRIT[Ala696Thr]FHNAHDLSKW